The following is an entry in ClinVar:

NM_001447.3(FAT2):c.12564C>T (p.Asn4188=)

Genes: FAT2 (FAT atypical cadherin 2; minus strand), SLC36A1 (solute carrier family 36 member 1; plus strand). Cytogenetic location: 5q33.1.
Variant type: single nucleotide variant.
Coding change: c.12564C>T on transcript NM_001447.3 (MANE Select); coding-DNA position 12564, C replaced by T.
Protein change: p.Asn4188=; no amino-acid change (asparagine 4188 retained).
Molecular consequence: synonymous variant.
Genome position (GRCh38, 1-based): chr5:151,506,051, G>A on the plus strand (C>T on the coding strand, the complement: FAT2 is on the minus strand). VCF-style: chr5-151506051-G-A. GRCh37 (hg19) VCF-style: chr5-150885612-G-A.
Identifiers: ClinVar variation 2066790 (VCV002066790.28), dbSNP rs146763283, ClinGen allele CA3519729.

ClinVar aggregate classification (germline): Likely benign. Review status: criteria provided, multiple submitters, no conflicts (2 of 4 stars). 2 submissions from 2 submitters: Likely benign (2). Last evaluated 2025-02-01.

Allele frequency attached by ClinVar (database versions not stated): TOPMed 0.00004; gnomAD 0.00005; ExAC 0.00008; ESP Exome Variant Server 0.00023.
gnomAD v4.1: 87 of 1,555,570 alleles (0.0056%); highest among the groups gnomAD compares: South Asian, 0.031%; 1 homozygote.

Submissions (2):

CeGaT Center for Human Genetics Tuebingen
Classification: Likely benign. Last evaluated: 2025-02-01. Review status: criteria provided, single submitter. Criteria: CeGaT Center For Human Genetics Tuebingen Variant Classification Criteria Version 2. Collection method: clinical testing. Allele origin: germline. Affected: yes. Observed: 2 variant alleles.
Comment: FAT2: BP4, BP7

Labcorp Genetics (formerly Invitae), Labcorp
Classification: Likely benign. Last evaluated: 2022-04-26. Review status: criteria provided, single submitter. Criteria: Invitae Variant Classification Sherloc (09022015). Collection method: clinical testing. Allele origin: germline.